The following is an entry in ClinVar:

NM_001943.5(DSG2):c.3116C>T (p.Ala1039Val)

Genes: DSG2 (desmoglein 2; plus strand), DSG2-AS1 (DSG2 antisense RNA 1; minus strand). Cytogenetic location: 18q12.1.
Variant type: single nucleotide variant.
Coding change: c.3116C>T on transcript NM_001943.5 (MANE Select); coding-DNA position 3116, C replaced by T.
Protein change: p.Ala1039Val; replaces alanine 1039 with valine.
Molecular consequence: missense variant.
Genome position (GRCh38, 1-based): chr18:31,546,502, C>T. VCF-style: chr18-31546502-C-T. GRCh37 (hg19) VCF-style: chr18-29126465-C-T.
Other names: short protein forms A1039V.
Identifiers: ClinVar variation 2193403 (VCV002193403.5), dbSNP rs199767017, ClinGen allele CA047940.

ClinVar aggregate classification (germline): Uncertain significance. Review status: criteria provided, multiple submitters, no conflicts (2 of 4 stars). 3 submissions from 3 submitters: Uncertain significance (3). Last evaluated 2025-10-12.

Conditions:
Arrhythmogenic right ventricular dysplasia 10. Also called: ARRHYTHMOGENIC RIGHT VENTRICULAR DYSPLASIA, FAMILIAL, 10; Arrhythmogenic Right Ventricular Dysplasia/Cardiomyopathy10; Arrhythmogenic right ventricular dysplasia/cardiomyopathy, type 10. Identifiers: MedGen C1857777, MONDO:0012434, OMIM 610193.
Arrhythmogenic right ventricular cardiomyopathy (ARVD). Also called: Arrhythmogenic right ventricular dysplasia; Cardiomyopathy, ARVC; Arrhythmogenic cardiomyopathy; Arrhythmogenic Right Ventricular Cardiomyopathy (ARVC). Identifiers: Orphanet 247, MedGen C0349788, MeSH D019571, MONDO:0016587. Disease mechanism: loss of function. Inheritance: Various modes of inheritance.
Cardiovascular phenotype. Identifiers: MedGen CN230736.

Allele frequency attached by ClinVar (database versions not stated): gnomAD exomes below 0.00001; ExAC 0.00001; gnomAD 0.00001; 1000 Genomes Project 0.00020; 1000 Genomes Project 30x 0.00031.
gnomAD v4.1: 2 of 1,614,210 alleles (0.00012%); highest among the groups gnomAD compares: Non-Finnish European, 0.00017%; no homozygotes.

Submissions (3):

Ambry Genetics
Classification: Uncertain significance for Cardiovascular phenotype. Last evaluated: 2025-10-12. Review status: criteria provided, single submitter. Criteria: Ambry Variant Classification Scheme 2023. Collection method: clinical testing. Allele origin: germline.
Comment: The p.A1039V variant (also known as c.3116C>T), located in coding exon 15 of the DSG2 gene, results from a C to T substitution at nucleotide position 3116. The alanine at codon 1039 is replaced by valine, an amino acid with similar properties. This amino acid position is conserved. In addition, this alteration is predicted to be tolerated by in silico analysis. Based on the available evidence, the clinical significance of this variant remains unclear.

All of Us Research Program, National Institutes of Health
Classification: Uncertain significance for Arrhythmogenic right ventricular cardiomyopathy. Last evaluated: 2024-07-10. Review status: criteria provided, single submitter. Criteria: ACMG Guidelines, 2015. Collection method: clinical testing. Allele origin: germline. Inheritance: Autosomal dominant inheritance. Observed: 1 variant allele, 1 heterozygote.
Comment: This missense variant replaces alanine with valine at codon 1039 of the DSG2 protein. Computational prediction suggests that this variant may not impact protein structure and function (internally defined REVEL score threshold <= 0.5, PMID: 27666373). To our knowledge, functional studies have not been reported for this variant. This variant has not been reported in individuals affected with DSG2-related disorders in the literature. This variant has been identified in 1/249446 chromosomes in the general population by the Genome Aggregation Database (gnomAD). The available evidence is insufficient to determine the role of this variant in disease conclusively. Therefore, this variant is classified as a Variant of Uncertain Significance.

This study involves interpretation of variants in research participants for the purpose of population health screening. Participant phenotype was not available at the time of variant classification. Additional details can be found in publication PMID: 35346344, PMCID: PMC8962531

Labcorp Genetics (formerly Invitae), Labcorp
Classification: Uncertain significance for Arrhythmogenic right ventricular dysplasia 10. Last evaluated: 2024-06-25. Review status: criteria provided, single submitter. Criteria: Invitae Variant Classification Sherloc (09022015). Collection method: clinical testing. Allele origin: germline.
Comment: This sequence change replaces alanine, which is neutral and non-polar, with valine, which is neutral and non-polar, at codon 1039 of the DSG2 protein (p.Ala1039Val). This variant is present in population databases (rs199767017, gnomAD 0.0009%). This variant has not been reported in the literature in individuals affected with DSG2-related conditions. ClinVar contains an entry for this variant (Variation ID: 2193403). Advanced modeling of protein sequence and biophysical properties (such as structural, functional, and spatial information, amino acid conservation, physicochemical variation, residue mobility, and thermodynamic stability) performed at Invitae indicates that this missense variant is not expected to disrupt DSG2 protein function with a negative predictive value of 95%. In summary, the available evidence is currently insufficient to determine the role of this variant in disease. Therefore, it has been classified as a Variant of Uncertain Significance.